The following is an entry in ClinVar:

ClinVar aggregate classification (germline): Uncertain significance (1 of 4 stars; one submission).

Conditions:
Long QT syndrome (LQTS). Identifiers: MedGen C0023976, MeSH D008133, MONDO:0002442. Disease mechanism: loss of function. Inheritance: Various modes of inheritance.

Submission:

Labcorp Genetics (formerly Invitae), Labcorp
Classification: Uncertain significance for Long QT syndrome. Last evaluated: 2022-06-23. Review status: criteria provided, single submitter. Criteria: Invitae Variant Classification Sherloc (09022015). Collection method: clinical testing. Allele origin: germline.
Comment: In summary, the available evidence is currently insufficient to determine the role of this variant in disease. Therefore, it has been classified as a Variant of Uncertain Significance. Algorithms developed to predict the effect of missense changes on protein structure and function are either unavailable or do not agree on the potential impact of this missense change (SIFT: "Deleterious"; PolyPhen-2: "Probably Damaging"; Align-GVGD: "Class C0"). This variant has not been reported in the literature in individuals affected with CACNA1C-related conditions. This variant is not present in population databases (gnomAD no frequency). This sequence change replaces proline, which is neutral and non-polar, with threonine, which is neutral and polar, at codon 381 of the CACNA1C protein (p.Pro381Thr).

NM_000719.7(CACNA1C):c.1141C>A (p.Pro381Thr)

Gene: CACNA1C (calcium voltage-gated channel subunit alpha1 C; plus strand). Cytogenetic location: 12p13.33.
Variant type: single nucleotide variant.
Coding change: c.1141C>A on transcript NM_000719.7 (MANE Select); coding-DNA position 1141, C replaced by A.
Protein change: p.Pro381Thr; replaces proline 381 with threonine.
Molecular consequence: missense variant. On other transcripts: intron variant (4).
Genome position (GRCh38, 1-based): chr12:2,504,869, C>A. VCF-style: chr12-2504869-C-A. GRCh37 (hg19) VCF-style: chr12-2614035-C-A.
Other names: c.1141C>A, p.Pro381Thr (NM_001129827.2, NM_001129829.2, NM_001129830.3 and 14 more transcripts); c.1132C>A, p.Pro378Thr (NM_001129844.2); c.1217+330C>A (NM_001167624.3, NM_001167623.2, NM_001167625.2 and 1 more transcripts); short protein forms P381T, P378T.
Identifiers: ClinVar variation 1444373 (VCV001444373.6), dbSNP rs786205775, ClinGen allele CA383370864.